The following is an entry in ClinVar:

NM_002691.4(POLD1):c.1776-91T>C

Gene: POLD1 (DNA polymerase delta 1, catalytic subunit; plus strand). Cytogenetic location: 19q13.33.
Variant type: single nucleotide variant.
Coding change: c.1776-91T>C on transcript NM_002691.4 (MANE Select); 91 bases into the intron before coding-DNA position 1776, T replaced by C.
Molecular consequence: intron variant.
Genome position (GRCh38, 1-based): chr19:50,408,694, T>C. VCF-style: chr19-50408694-T-C. GRCh37 (hg19) VCF-style: chr19-50911951-T-C.
Other names: c.1776-91T>C (NM_001256849.1); c.1776-13T>C (NM_001308632.1).
Identifiers: ClinVar variation 1683557 (VCV001683557.2), dbSNP rs2122363440, ClinGen allele CA2573156697.
Genomic context (GRCh38, chr19:50,408,694, plus strand): 5'-CAGCCTCCCAATGTGCTGGGATTGCAGGAGCGAGCACTGCTCCCAGCCAATGAATGATTT[T>C]TTTTTTTTAAAGGGTGAGGCCACAAGACAGGGCGGGGGCGGCATGGGAACTCCTAGCCCT-3'

ClinVar aggregate classification (germline): Uncertain significance (1 of 4 stars; one submission).

Conditions:
POLD1-related polyposis and colorectal cancer syndrome (CRCS10). Also called: Colorectal cancer 10; COLORECTAL CANCER, SUSCEPTIBILITY TO, ON CHROMOSOME 19q; Colorectal cancer, susceptibility to, 10. Identifiers: Orphanet 220460, MedGen C2675481, MONDO:0012953, OMIM 612591.

Allele frequency attached by ClinVar (database versions not stated): gnomAD exomes 0.00001.
gnomAD v4.1: 12 of 1,546,018 alleles (0.00078%); highest among the groups gnomAD compares: Non-Finnish European, 0.001%; no homozygotes.

Submission:

Laboratorio de Genetica e Diagnostico Molecular, Hospital Israelita Albert Einstein
Classification: Uncertain significance for POLD1-related polyposis and colorectal cancer syndrome. Last evaluated: 2021-06-21. Review status: criteria provided, single submitter. Criteria: ACMG Guidelines, 2015. Collection method: clinical testing. Allele origin: germline. Affected: yes.
Comment: ACMG classification criteria: PM2 moderate